The following is an entry in ClinVar:

ClinVar aggregate classification (germline): Uncertain significance (1 of 4 stars; one submission).

Conditions:
Combined immunodeficiency due to OX40 deficiency. Also called: OX40 DEFICIENCY; Immunodeficiency 16. Identifiers: Orphanet 431149, MedGen C3810053, MONDO:0014268, OMIM 615593.

Allele frequency attached by ClinVar (database versions not stated): ExAC below 0.00001; gnomAD exomes 0.00001; TOPMed 0.00001.
gnomAD v4.1: 10 of 1,517,294 alleles (0.00066%); highest among the groups gnomAD compares: South Asian, 0.0065%; no homozygotes.

Submission:

Labcorp Genetics (formerly Invitae), Labcorp
Classification: Uncertain significance for Combined immunodeficiency due to OX40 deficiency. Last evaluated: 2025-12-11. Review status: criteria provided, single submitter. Criteria: Invitae Variant Classification Sherloc (09022015). Collection method: clinical testing. Allele origin: germline.
Comment: This sequence change replaces aspartic acid, which is acidic and polar, with asparagine, which is neutral and polar, at codon 269 of the TNFRSF4 protein (p.Asp269Asn). The frequency data for this variant in the population databases is considered unreliable, as metrics indicate poor data quality at this position in the gnomAD database. This variant has not been reported in the literature in individuals affected with TNFRSF4-related conditions. ClinVar contains an entry for this variant (Variation ID: 959109). An algorithm developed to predict the effect of missense changes on protein structure and function (PolyPhen-2) suggests that this variant is likely to be tolerated. In summary, the available evidence is currently insufficient to determine the role of this variant in disease. Therefore, it has been classified as a Variant of Uncertain Significance.

NM_003327.4(TNFRSF4):c.805G>A (p.Asp269Asn)

Gene: TNFRSF4 (TNF receptor superfamily member 4; minus strand). Cytogenetic location: 1p36.33.
Variant type: single nucleotide variant.
Coding change: c.805G>A on transcript NM_003327.4 (MANE Select); coding-DNA position 805, G replaced by A.
Protein change: p.Asp269Asn; replaces aspartic acid 269 with asparagine.
Molecular consequence: missense variant.
Genome position (GRCh38, 1-based): chr1:1,211,584, C>T on the plus strand (G>A on the coding strand, the complement: TNFRSF4 is on the minus strand). VCF-style: chr1-1211584-C-T. GRCh37 (hg19) VCF-style: chr1-1146964-C-T.
Other names: short protein forms D269N.
Identifiers: ClinVar variation 959109 (VCV000959109.9), dbSNP rs769107435, ClinGen allele CA512323.